The following is an entry in ClinVar:

ClinVar aggregate classification (germline): Uncertain significance. Review status: criteria provided, multiple submitters, no conflicts (2 of 4 stars). 3 submissions from 3 submitters: Uncertain significance (3). Last evaluated 2026-09-21.

Conditions:
Inborn genetic diseases. Identifiers: MedGen C0950123, MeSH D030342.

Allele frequency attached by ClinVar (database versions not stated): gnomAD 0.00001; ExAC 0.00004; gnomAD exomes 0.00008; TOPMed 0.00001.
gnomAD v4.1: 20 of 1,613,402 alleles (0.0012%); highest among the groups gnomAD compares: Admixed American, 0.033%; no homozygotes.

Submissions (3):

GeneDx
Classification: Uncertain significance. Last evaluated: 2026-09-21. Review status: criteria provided, single submitter. Criteria: GeneDx Variant Classification Process June 2021. Collection method: clinical testing. Allele origin: germline.
Comment: In silico analysis supports that this missense variant has a deleterious effect on protein structure/function; Has not been previously published as pathogenic or benign to our knowledge

Ambry Genetics
Classification: Uncertain significance for Inborn genetic diseases. Last evaluated: 2023-03-24. Review status: criteria provided, single submitter. Criteria: Ambry Variant Classification Scheme 2023. Collection method: clinical testing. Allele origin: germline.

Labcorp Genetics (formerly Invitae), Labcorp
Classification: Uncertain significance. Last evaluated: 2022-08-15. Review status: criteria provided, single submitter. Criteria: Invitae Variant Classification Sherloc (09022015). Collection method: clinical testing. Allele origin: germline.
Comment: In summary, the available evidence is currently insufficient to determine the role of this variant in disease. Therefore, it has been classified as a Variant of Uncertain Significance. Algorithms developed to predict the effect of missense changes on protein structure and function are either unavailable or do not agree on the potential impact of this missense change (SIFT: "Deleterious"; PolyPhen-2: "Benign"; Align-GVGD: "Class C0"). ClinVar contains an entry for this variant (Variation ID: 1504604). This variant has not been reported in the literature in individuals affected with SPEG-related conditions. This variant is present in population databases (rs747510236, gnomAD 0.05%). This sequence change replaces aspartic acid, which is acidic and polar, with tyrosine, which is neutral and polar, at codon 2213 of the SPEG protein (p.Asp2213Tyr).

NM_005876.5(SPEG):c.6637G>T (p.Asp2213Tyr)

Genes: ASIC4-AS1 (ASIC4 antisense RNA 1; minus strand), SPEG (striated muscle enriched protein kinase; plus strand). Cytogenetic location: 2q35.
Variant type: single nucleotide variant.
Coding change: c.6637G>T on transcript NM_005876.5 (MANE Select); coding-DNA position 6637, G replaced by T.
Protein change: p.Asp2213Tyr; replaces aspartic acid 2213 with tyrosine.
Molecular consequence: missense variant.
Genome position (GRCh38, 1-based): chr2:219,484,100, G>T. VCF-style: chr2-219484100-G-T. GRCh37 (hg19) VCF-style: chr2-220348822-G-T.
Other names: short protein forms D2213Y.
Identifiers: ClinVar variation 1504604 (VCV001504604.9), dbSNP rs747510236, ClinGen allele CA2127069.